The following is an entry in ClinVar:

NM_014000.3(VCL):c.1708C>T (p.Arg570Ter)

Gene: VCL (vinculin; plus strand). Cytogenetic location: 10q22.2.
Variant type: single nucleotide variant.
Coding change: c.1708C>T on transcript NM_014000.3 (MANE Select); coding-DNA position 1708, C replaced by T.
Protein change: p.Arg570Ter; replaces arginine 570 with a stop codon.
Molecular consequence: nonsense.
Genome position (GRCh38, 1-based): chr10:74,095,820, C>T. VCF-style: chr10-74095820-C-T. GRCh37 (hg19) VCF-style: chr10-75855578-C-T.
Other names: p.R570*:CGA>TGA; c.1708C>T, p.Arg570Ter (NM_003373.4); short protein forms R570*.
Identifiers: ClinVar variation 202161 (VCV000202161.9), dbSNP rs794729191, ClinGen allele CA335637.

ClinVar aggregate classification (germline): Uncertain significance. Review status: criteria provided, multiple submitters, no conflicts (2 of 4 stars). 2 submissions from 2 submitters: Uncertain significance (2). Last evaluated 2026-01-12.

Conditions:
Dilated cardiomyopathy 1W (CMD1W). Identifiers: Orphanet 154, MedGen C1969639, MONDO:0012667, OMIM 611407.

gnomAD v4.1: 7 of 1,614,012 alleles (0.00043%); highest among the groups gnomAD compares: East Asian, 0.0022%; no homozygotes.

Submissions (2):

Labcorp Genetics (formerly Invitae), Labcorp
Classification: Uncertain significance for Dilated cardiomyopathy 1W. Last evaluated: 2026-01-12. Review status: criteria provided, single submitter. Criteria: Invitae Variant Classification Sherloc (09022015). Collection method: clinical testing. Allele origin: germline.
Comment: This sequence change creates a premature translational stop signal (p.Arg570*) in the VCL gene. It is expected to result in an absent or disrupted protein product. However, the current clinical and genetic evidence is not sufficient to establish whether loss-of-function variants in VCL cause disease. This variant is present in population databases (rs794729191, gnomAD 0.0009%). This premature translational stop signal has been observed in individual(s) with clinical features of VCL-related disorders (PMID: 32516855, 37342443). ClinVar contains an entry for this variant (Variation ID: 202161). In summary, the available evidence is currently insufficient to determine the role of this variant in disease. Therefore, it has been classified as a Variant of Uncertain Significance.

GeneDx
Classification: Uncertain significance. Last evaluated: 2018-11-20. Review status: criteria provided, single submitter. Criteria: GeneDx Variant Classification (06012015). Collection method: clinical testing. Allele origin: germline. Affected: yes.
Comment: p.Arg570Stop (CGA>TGA): c.1708 C>T in exon 12 of the VCL gene (NM_014000.2).The R570X variant in the VCL gene has not been reported as a disease-causing mutation or as a benign polymorphism to our knowledge. R570X was not observed in approximately 6,500 individuals of European and African American ancestry in the NHLBI Exome Sequencing Project, indicating it is not a common benign variant in these populations. The R570X variant is predicted to cause loss of normal protein function either by protein truncation or nonsense-mediated mRNA decay. However, other nonsense mutations in the VCL gene have not been reported in association with cardiomyopathy.With the clinical and molecular information available at this time, we cannot definitively determine if R570X is a disease-causing mutation or a rare benign variant. The variant is found in DCM-CRDM panel(s).

Literature cited by the submitters: PubMed 32516855 (cited by Labcorp Genetics (formerly Invitae), Labcorp); PubMed 37342443 (cited by Labcorp Genetics (formerly Invitae), Labcorp).